The following is an entry in ClinVar:

ClinVar aggregate classification (germline): Likely pathogenic (1 of 4 stars; one submission).

Conditions:
Immunodeficiency 104. Also called: Severe combined immunodeficiency, autosomal recessive, T cell-negative, B cell-positive, NK cell-positive; SCID, AUTOSOMAL RECESSIVE, T CELL-NEGATIVE, B CELL-POSITIVE, NK CELL-POSITIVE; Severe Combined Immune Deficiency, Autosomal Recessive, TCell -Negative, B Cell-Positive, NK Cell-Positive, IL7R-Related; IMMUNODEFICIENCY 104, SEVERE COMBINED. Identifiers: MedGen C5676890, MONDO:0012163, OMIM 608971.

Submission:

Labcorp Genetics (formerly Invitae), Labcorp
Classification: Likely pathogenic for Immunodeficiency 104. Last evaluated: 2020-08-11. Review status: criteria provided, single submitter. Criteria: Invitae Variant Classification Sherloc (09022015). Collection method: clinical testing. Allele origin: germline.
Comment: In summary, the currently available evidence indicates that the variant is pathogenic, but additional data are needed to prove that conclusively. Therefore, this variant has been classified as Likely Pathogenic. This sequence change affects a donor splice site in intron 17 of the PTPRC gene. It is expected to disrupt RNA splicing and likely results in an absent or disrupted protein product. This variant is not present in population databases (ExAC no frequency). This variant has not been reported in the literature in individuals with PTPRC-related conditions. Algorithms developed to predict the effect of sequence changes on RNA splicing suggest that this variant may disrupt the consensus splice site, but this prediction has not been confirmed by published transcriptional studies. Donor and acceptor splice site variants typically lead to a loss of protein function (PMID: 16199547), and loss-of-function variants in PTPRC are known to be pathogenic (PMID: 10700239).

Literature cited by the submitters: PubMed 16199547; PubMed 10700239.

NM_002838.5(PTPRC):c.1864+2T>A

Gene: PTPRC (protein tyrosine phosphatase receptor type C; plus strand). Cytogenetic location: 1q32.1.
Variant type: single nucleotide variant.
Coding change: c.1864+2T>A on transcript NM_002838.5 (MANE Select); the canonical splice donor site of the intron after coding-DNA position 1864, T replaced by A.
Molecular consequence: splice donor variant.
Genome position (GRCh38, 1-based): chr1:198,729,173, T>A. VCF-style: chr1-198729173-T-A. GRCh37 (hg19) VCF-style: chr1-198698302-T-A.
Other names: c.1381+2T>A (NM_080921.4).
Identifiers: ClinVar variation 1068274 (VCV001068274.7), dbSNP rs2102475830, ClinGen allele CA344042449.